The following is an entry in ClinVar:

ClinVar aggregate classification (germline): Pathogenic (1 of 4 stars; one submission).

Conditions:
Hereditary insensitivity to pain with anhidrosis (CIPA). Also called: NTRK1 Congenital Insensitivity to Pain with Anhidrosis; INSENSITIVITY TO PAIN, CONGENITAL, WITH ANHIDROSIS; hereditary sensory and autonomic neuropathy type 4; HSAN Type IV; FAMILIAL DYSAUTONOMIA, TYPE II; NEUROPATHY, CONGENITAL SENSORY, WITH ANHIDROSIS. Identifiers: Orphanet 642, MedGen C0020074, MONDO:0009746, OMIM 256800.

Submission:

Myriad Genetics, Inc.
Classification: Pathogenic for Hereditary insensitivity to pain with anhidrosis. Last evaluated: 2025-04-07. Review status: criteria provided, single submitter. Criteria: Myriad Autosomal Dominant, Autosomal Recessive and X-Linked Classification Criteria (2023). Collection method: clinical testing. Allele origin: unknown.
Comment: NM_002529.3(NTRK1):c.163delG(A55Pfs*14) is a frameshift variant classified as pathogenic in the context of congenital insensitivity to pain with anhidrosis, NTRK1-related. A55Pfs*14 has not been observed in cases with relevant disease. Relevant functional assessments of this variant are not available in the literature. A55Pfs*14 has not been observed in referenced population frequency databases. In summary, NM_002529.3(NTRK1):c.163delG(A55Pfs*14) is a frameshift variant in a gene where loss of function is a known mechanism of disease and is predicted to disrupt protein function. Please note: this variant was assessed in the context of healthy population screening.

NM_002529.4(NTRK1):c.163del (p.Ala55fs)

Gene: NTRK1 (neurotrophic receptor tyrosine kinase 1; plus strand). Cytogenetic location: 1q23.1.
Variant type: Deletion.
Coding change: c.163del on transcript NM_002529.4 (MANE Select); coding-DNA position 163, one base deleted (G; older notation c.163delG).
Protein change: p.Ala55fs; shifts the reading frame from alanine 55.
Molecular consequence: frameshift variant. On other transcripts: intron variant (1).
Genome position (GRCh38, 1-based): chr1:156,861,097, G deleted; the last of 4 consecutive G bases (chr1:156,861,094-156,861,097); deleting any one gives the same sequence. VCF-style (leftmost placement, unchanged base first): chr1-156861093-TG-T. GRCh37 (hg19) VCF-style: chr1-156830885-TG-T.
Other names: c.123-3257del (NM_001007792.1); c.163del, p.Ala55fs (NM_001012331.2); short protein forms A55fs.
Identifiers: ClinVar variation 4081757 (VCV004081757.1).